The following is an entry in ClinVar:

NM_152564.5(VPS13B):c.10387C>T (p.Leu3463Phe)

Gene: VPS13B (vacuolar protein sorting 13 homolog B; plus strand). Cytogenetic location: 8q22.2.
Variant type: single nucleotide variant.
Coding change: c.10387C>T on transcript NM_152564.5 (MANE Select); coding-DNA position 10387, C replaced by T.
Protein change: p.Leu3463Phe; replaces leucine 3463 with phenylalanine.
Molecular consequence: missense variant.
Genome position (GRCh38, 1-based): chr8:99,853,776, C>T. VCF-style: chr8-99853776-C-T. GRCh37 (hg19) VCF-style: chr8-100866004-C-T.
Other names: c.10462C>T, p.Leu3488Phe (NM_017890.5); short protein forms L3488F, L3463F.
Identifiers: ClinVar variation 5001153 (VCV005001153.1).

ClinVar aggregate classification (germline): Uncertain significance (1 of 4 stars; one submission).

Conditions:
VPS13B-related disorder. Also called: VPS13B-related condition.

gnomAD v4.1: 2 of 1,614,096 alleles (0.00012%); highest among the groups gnomAD compares: African/African-American, 0.0027%; no homozygotes.

Submission:

PreventionGenetics, part of Exact Sciences
Classification: Uncertain significance for VPS13B-related condition. Last evaluated: 2025-03-19. Review status: criteria provided, single submitter. Criteria: ACMG Guidelines, 2015. Collection method: clinical testing. Allele origin: germline.
Comment: The VPS13B c.10387C>T variant is predicted to result in the amino acid substitution p.Leu3463Phe. To our knowledge, this variant has not been reported in the literature. This variant is reported in 0.012% of alleles in individuals of African descent in gnomAD. At this time, the clinical significance of this variant is uncertain due to the absence of conclusive functional and genetic evidence.